The following is an entry in ClinVar:

ClinVar aggregate classification (germline): Benign/Likely benign. Review status: criteria provided, multiple submitters, no conflicts (2 of 4 stars). 5 submissions from 5 submitters: Benign (3); Likely benign (2). Last evaluated 2026-10-01.

Conditions:
Primary ciliary dyskinesia. Also called: Ciliary dyskinesia. Identifiers: Orphanet 244, MedGen C0008780, MONDO:0016575, HP:0012265.

Allele frequency attached by ClinVar (database versions not stated): gnomAD exomes 0.00029 and 0.00068; ExAC 0.00148; ESP Exome Variant Server 0.00300; gnomAD 0.00315 and 0.00330; 1000 Genomes Project 0.00319; 1000 Genomes Project 30x 0.00328; TOPMed 0.00333.

Submissions (5):

CeGaT Center for Human Genetics Tuebingen
Classification: Likely benign. Last evaluated: 2026-10-01. Review status: criteria provided, single submitter. Criteria: CeGaT Center For Human Genetics Tuebingen Variant Classification Criteria Version 2. Collection method: clinical testing. Allele origin: germline. Affected: yes. Observed: 2 variant alleles.
Comment: DNAH11: BS1

Labcorp Genetics (formerly Invitae), Labcorp
Classification: Benign for Primary ciliary dyskinesia. Last evaluated: 2026-02-01. Review status: criteria provided, single submitter. Criteria: Invitae Variant Classification Sherloc (09022015). Collection method: clinical testing. Allele origin: germline.

Blueprint Genetics
Classification: Likely benign. Last evaluated: 2024-10-08. Review status: criteria provided, single submitter. Criteria: ACMG Guidelines, 2015. Collection method: clinical testing. Allele origin: germline.

Ambry Genetics
Classification: Benign for Primary ciliary dyskinesia. Last evaluated: 2016-10-14. Review status: criteria provided, single submitter. Criteria: Ambry Variant Classification Scheme 2023. Collection method: clinical testing. Allele origin: germline.

PreventionGenetics, part of Exact Sciences
Classification: Benign. Review status: criteria provided, single submitter. Criteria: ACMG Guidelines, 2015. Collection method: clinical testing. Allele origin: germline.

NM_001277115.2(DNAH11):c.188G>C (p.Gly63Ala)

Gene: DNAH11 (dynein axonemal heavy chain 11; plus strand). Cytogenetic location: 7p15.3.
Variant type: single nucleotide variant.
Coding change: c.188G>C on transcript NM_001277115.2 (MANE Select); coding-DNA position 188, G replaced by C.
Protein change: p.Gly63Ala; replaces glycine 63 with alanine.
Molecular consequence: missense variant.
Genome position (GRCh38, 1-based): chr7:21,543,433, G>C. VCF-style: chr7-21543433-G-C. GRCh37 (hg19) VCF-style: chr7-21583051-G-C.
Other names: short protein forms G63A.
Identifiers: ClinVar variation 257876 (VCV000257876.17), dbSNP rs6966525, ClinGen allele CA4178630.